The following is an entry in ClinVar:

NM_001111067.4(ACVR1):c.643+7C>T

Gene: ACVR1 (activin A receptor type 1; minus strand). Cytogenetic location: 2q24.1.
Variant type: single nucleotide variant.
Coding change: c.643+7C>T on transcript NM_001111067.4 (MANE Select); 7 bases into the intron after coding-DNA position 643, C replaced by T.
Molecular consequence: intron variant.
Genome position (GRCh38, 1-based): chr2:157,774,081, G>A on the plus strand (C>T on the coding strand, the complement: ACVR1 is on the minus strand). VCF-style: chr2-157774081-G-A. GRCh37 (hg19) VCF-style: chr2-158630593-G-A.
Other names: c.643+7C>T (NM_001347665.1, NM_001347664.1, NM_001347666.1 and 3 more transcripts).
Identifiers: ClinVar variation 331694 (VCV000331694.16), dbSNP rs12105152, ClinGen allele CA1919104.
Genomic context (GRCh38, chr2:157,774,081, plus strand): 5'-ATCTTTTACTTCAAAAACAAAACTAACATTGCATATTACCCACAAAGAAAGGAAAAAAAA[G>A]AATTACCGACACACTCCAACAGTGTAATCTGGCGAGCCACTGTTCTTTGTACCAGAAAAG-3'

ClinVar aggregate classification (germline): Benign. Review status: criteria provided, multiple submitters, no conflicts (2 of 4 stars). 4 submissions from 4 submitters: Benign (4). Last evaluated 2026-01-31.

Conditions:
Progressive myositis ossificans (FOP). Also called: Myositis ossificans progressiva; Progressive ossifying myositis; Fibrodysplasia Ossificans Progressiva. Identifiers: Orphanet 337, MedGen C0016037, MONDO:0007606, OMIM 135100.

Allele frequency attached by ClinVar (database versions not stated): gnomAD exomes 0.00304; ExAC 0.00392; ESP Exome Variant Server 0.00830; 1000 Genomes Project 30x 0.01234; 1000 Genomes Project 0.01238; gnomAD 0.01336 and 0.01446; TOPMed 0.01472.
gnomAD v4.1: 3,716 of 1,612,318 alleles (0.23%); highest among the groups gnomAD compares: African/African-American, 4.4%; 78 homozygotes.

Submissions (4):

Labcorp Genetics (formerly Invitae), Labcorp
Classification: Benign. Last evaluated: 2026-01-31. Review status: criteria provided, single submitter. Criteria: Invitae Variant Classification Sherloc (09022015). Collection method: clinical testing. Allele origin: germline.

Genome-Nilou Lab
Classification: Benign for Progressive myositis ossificans. Last evaluated: 2021-12-05. Review status: criteria provided, single submitter. Criteria: ACMG Guidelines, 2015. Collection method: clinical testing. Allele origin: germline. Affected: no.

Illumina Laboratory Services, Illumina
Classification: Benign for Progressive myositis ossificans. Last evaluated: 2018-01-13. Review status: criteria provided, single submitter. Criteria: ICSL Variant Classification Criteria 13 December 2019. Collection method: clinical testing. Allele origin: germline.
Comment: This variant was observed in the ICSL laboratory as part of a predisposition screen in an ostensibly healthy population. It had not been previously curated by ICSL or reported in the Human Gene Mutation Database (HGMD: prior to June 1st, 2018), and was therefore a candidate for classification through an automated scoring system. Utilizing variant allele frequency, disease prevalence and penetrance estimates, and inheritance mode, an automated score was calculated to assess if this variant is too frequent to cause the disease. Based on the score and internal cut-off values, a variant classified as benign is not then subjected to further curation. The score for this variant resulted in a classification of benign for this disease.

Breakthrough Genomics
Classification: Benign. Review status: criteria provided, single submitter. Criteria: ACMG Guidelines, 2015. Collection method: not provided. Allele origin: germline. Inheritance: Autosomal dominant inheritance. Affected: yes.